The following is an entry in ClinVar:

ClinVar aggregate classification (germline): Uncertain significance (1 of 4 stars; one submission).

Conditions:
Leber congenital amaurosis 2 (LCA2). Also called: AMAUROSIS CONGENITA OF LEBER II; Autosomal Recessive RPE65-Related Retinal Degeneration. Identifiers: Orphanet 65, MedGen C1859844, MONDO:0008765, OMIM 204100. Disease mechanism: loss of function.
Retinitis pigmentosa 20 (RP20). Identifiers: Orphanet 791, MedGen C3151086, MONDO:0013425, OMIM 613794.

gnomAD v4.1: 1 of 1,614,162 alleles (0.000062%); highest among the groups gnomAD compares: African/African-American, 0.0013%; no homozygotes.

Submission:

Labcorp Genetics (formerly Invitae), Labcorp
Classification: Uncertain significance for Leber congenital amaurosis 2; Retinitis pigmentosa 20. Last evaluated: 2022-07-06. Review status: criteria provided, single submitter. Criteria: Invitae Variant Classification Sherloc (09022015). Collection method: clinical testing. Allele origin: germline.
Comment: This sequence change falls in intron 4 of the RPE65 gene. It does not directly change the encoded amino acid sequence of the RPE65 protein. It affects a nucleotide within the consensus splice site. This variant is not present in population databases (gnomAD no frequency). This variant has not been reported in the literature in individuals affected with RPE65-related conditions. ClinVar contains an entry for this variant (Variation ID: 1414138). Variants that disrupt the consensus splice site are a relatively common cause of aberrant splicing (PMID: 17576681, 9536098). Algorithms developed to predict the effect of sequence changes on RNA splicing suggest that this variant may disrupt the consensus splice site. In summary, the available evidence is currently insufficient to determine the role of this variant in disease. Therefore, it has been classified as a Variant of Uncertain Significance.

Literature cited by the submitters: PubMed 17576681; PubMed 9536098.

NM_000329.3(RPE65):c.353+4A>T

Gene: RPE65 (retinoid isomerohydrolase RPE65; minus strand). Cytogenetic location: 1p31.3.
Variant type: single nucleotide variant.
Coding change: c.353+4A>T on transcript NM_000329.3 (MANE Select); 4 bases into the intron after coding-DNA position 353, A replaced by T.
Molecular consequence: intron variant.
Genome position (GRCh38, 1-based): chr1:68,444,772, T>A on the plus strand (A>T on the coding strand, the complement: RPE65 is on the minus strand). VCF-style: chr1-68444772-T-A. GRCh37 (hg19) VCF-style: chr1-68910455-T-A.
Identifiers: ClinVar variation 1414138 (VCV001414138.3), dbSNP rs1299116346, ClinGen allele CA1173563470.